The following is an entry in ClinVar:

NM_014956.5(CEP164):c.703A>G (p.Ser235Gly)

Gene: CEP164 (centrosomal protein 164; plus strand). Cytogenetic location: 11q23.3.
Variant type: single nucleotide variant.
Coding change: c.703A>G on transcript NM_014956.5 (MANE Select); coding-DNA position 703, A replaced by G.
Protein change: p.Ser235Gly; replaces serine 235 with glycine.
Molecular consequence: missense variant.
Genome position (GRCh38, 1-based): chr11:117,363,444, A>G. VCF-style: chr11-117363444-A-G. GRCh37 (hg19) VCF-style: chr11-117234160-A-G.
Other names: c.703A>G, p.Ser235Gly (NM_001271933.2); short protein forms S235G.
Identifiers: ClinVar variation 954523 (VCV000954523.10), dbSNP rs777527578, ClinGen allele CA6294565.

ClinVar aggregate classification (germline): Uncertain significance. Review status: criteria provided, multiple submitters, no conflicts (2 of 4 stars). 3 submissions from 3 submitters: Uncertain significance (3). Last evaluated 2025-10-08.

Conditions:
CEP164-related disorder. Also called: CEP164-related condition.
Nephronophthisis 15 (NPHP15). Identifiers: Orphanet 3156, MedGen C3541853, MONDO:0013917, OMIM 614845.

Allele frequency attached by ClinVar (database versions not stated): gnomAD exomes below 0.00001; ExAC 0.00001; gnomAD 0.00003; TOPMed 0.00005.
gnomAD v4.1: 8 of 1,613,930 alleles (0.0005%); highest among the groups gnomAD compares: African/African-American, 0.0053%; no homozygotes.

Submissions (3):

PreventionGenetics, part of Exact Sciences
Classification: Uncertain significance for CEP164-related condition. Last evaluated: 2025-10-08. Review status: criteria provided, single submitter. Criteria: ACMG Guidelines, 2015. Collection method: clinical testing. Allele origin: germline.
Comment: The CEP164 c.703A>G variant is predicted to result in the amino acid substitution p.Ser235Gly. To our knowledge, this variant has not been reported in the literature. This variant is reported in 0.0040% of alleles in individuals of African descent in gnomAD. At this time, the clinical significance of this variant is uncertain due to the absence of conclusive functional and genetic evidence.

Fulgent Genetics
Classification: Uncertain significance for Nephronophthisis 15. Last evaluated: 2024-06-03. Review status: criteria provided, single submitter. Criteria: ACMG Guidelines, 2015. Collection method: clinical testing. Allele origin: germline.

Labcorp Genetics (formerly Invitae), Labcorp
Classification: Uncertain significance for Nephronophthisis 15. Last evaluated: 2024-02-19. Review status: criteria provided, single submitter. Criteria: Invitae Variant Classification Sherloc (09022015). Collection method: clinical testing. Allele origin: germline.
Comment: This sequence change replaces serine, which is neutral and polar, with glycine, which is neutral and non-polar, at codon 235 of the CEP164 protein (p.Ser235Gly). This variant is present in population databases (rs777527578, gnomAD 0.004%). This variant has not been reported in the literature in individuals affected with CEP164-related conditions. ClinVar contains an entry for this variant (Variation ID: 954523). Algorithms developed to predict the effect of missense changes on protein structure and function output the following: SIFT: "Not Available"; PolyPhen-2: "Benign"; Align-GVGD: "Not Available". The glycine amino acid residue is found in multiple mammalian species, which suggests that this missense change does not adversely affect protein function. Algorithms developed to predict the effect of sequence changes on RNA splicing suggest that this variant may disrupt the consensus splice site. In summary, the available evidence is currently insufficient to determine the role of this variant in disease. Therefore, it has been classified as a Variant of Uncertain Significance.